The following is an entry in ClinVar:

NM_004944.4(DNASE1L3):c.802-20C>G

Gene: DNASE1L3 (deoxyribonuclease 1L3; minus strand). Cytogenetic location: 3p14.3.
Variant type: single nucleotide variant.
Coding change: c.802-20C>G on transcript NM_004944.4 (MANE Select); 20 bases into the intron before coding-DNA position 802, C replaced by G.
Molecular consequence: intron variant.
Genome position (GRCh38, 1-based): chr3:58,192,823, G>C on the plus strand (C>G on the coding strand, the complement: DNASE1L3 is on the minus strand). VCF-style: chr3-58192823-G-C. GRCh37 (hg19) VCF-style: chr3-58178550-G-C.
Other names: c.712-20C>G (NM_001256560.2).
Identifiers: ClinVar variation 1932021 (VCV001932021.3), dbSNP rs1313569916, ClinGen allele CA543248434.

ClinVar aggregate classification (germline): Uncertain significance. Review status: criteria provided, multiple submitters, no conflicts (2 of 4 stars). 2 submissions from 2 submitters: Uncertain significance (2). Last evaluated 2024-02-07.

Conditions:
Autosomal systemic lupus erythematosus type 16. Also called: Systemic lupus erythematosus 16. Identifiers: Orphanet 300345, MedGen C3280742, MONDO:0013743, OMIM 614420.

Submissions (2):

Fulgent Genetics
Classification: Uncertain significance for Autosomal systemic lupus erythematosus type 16. Last evaluated: 2024-02-07. Review status: criteria provided, single submitter. Criteria: ACMG Guidelines, 2015. Collection method: clinical testing. Allele origin: germline.

Labcorp Genetics (formerly Invitae), Labcorp
Classification: Uncertain significance. Last evaluated: 2022-04-25. Review status: criteria provided, single submitter. Criteria: Invitae Variant Classification Sherloc (09022015). Collection method: clinical testing. Allele origin: germline.
Comment: This sequence change falls in intron 7 of the DNASE1L3 gene. It does not directly change the encoded amino acid sequence of the DNASE1L3 protein. This variant is present in population databases (no rsID available, gnomAD 0.0009%). This variant has not been reported in the literature in individuals affected with DNASE1L3-related conditions. Algorithms developed to predict the effect of sequence changes on RNA splicing suggest that this variant may create or strengthen a splice site. In summary, the available evidence is currently insufficient to determine the role of this variant in disease. Therefore, it has been classified as a Variant of Uncertain Significance.